The following is an entry in ClinVar:

ClinVar aggregate classification (germline): Benign (1 of 4 stars; one submission).

Allele frequency attached by ClinVar (database versions not stated): gnomAD 0.16495 and 0.16667; TOPMed 0.17579; 1000 Genomes Project 0.17592; 1000 Genomes Project 30x 0.18239.
gnomAD v4.1: 24,942 of 152,098 alleles (16%); highest among the groups gnomAD compares: African/African-American, 28%; 2,593 homozygotes.

Submission:

GeneDx
Classification: Benign. Last evaluated: 2018-06-14. Review status: criteria provided, single submitter. Criteria: GeneDx Variant Classification (06012015). Collection method: clinical testing. Allele origin: germline. Affected: yes.
Comment: This variant is considered likely benign or benign based on one or more of the following criteria: it is a conservative change, it occurs at a poorly conserved position in the protein, it is predicted to be benign by multiple in silico algorithms, and/or has population frequency not consistent with disease.

NM_000540.3(RYR1):c.7614+259C>T

Gene: RYR1 (ryanodine receptor 1; plus strand). Cytogenetic location: 19q13.2.
Variant type: single nucleotide variant.
Coding change: c.7614+259C>T on transcript NM_000540.3 (MANE Select); 259 bases into the intron after coding-DNA position 7614, C replaced by T.
Molecular consequence: intron variant.
Genome position (GRCh38, 1-based): chr19:38,501,249, C>T. VCF-style: chr19-38501249-C-T. GRCh37 (hg19) VCF-style: chr19-38991889-C-T.
Other names: c.7614+259C>T (NM_001042723.2).
Identifiers: ClinVar variation 680820 (VCV000680820.1), dbSNP rs2960324, ClinGen allele CA14708693.